The following is an entry in ClinVar:

NM_020937.4(FANCM):c.1283C>T (p.Ala428Val)

Gene: FANCM (FA complementation group M; plus strand). Cytogenetic location: 14q21.2.
Variant type: single nucleotide variant.
Coding change: c.1283C>T on transcript NM_020937.4 (MANE Select); coding-DNA position 1283, C replaced by T.
Protein change: p.Ala428Val; replaces alanine 428 with valine.
Molecular consequence: missense variant.
Genome position (GRCh38, 1-based): chr14:45,154,796, C>T. VCF-style: chr14-45154796-C-T. GRCh37 (hg19) VCF-style: chr14-45623999-C-T.
Other names: c.1205C>T, p.Ala402Val (NM_001308133.2); c.1283C>T, p.Ala428Val (NM_001308134.2); short protein forms A402V, A428V.
Identifiers: ClinVar variation 2750394 (VCV002750394.3), dbSNP rs2503106902, ClinGen allele CA389591354.

ClinVar aggregate classification (germline): Uncertain significance (1 of 4 stars; one submission).

Conditions:
Fanconi anemia (FA). Also called: Fanconi's anemia. Identifiers: Orphanet 84, MedGen C0015625, MeSH D005199, MONDO:0019391.

Submission:

Labcorp Genetics (formerly Invitae), Labcorp
Classification: Uncertain significance for Fanconi anemia. Last evaluated: 2023-08-08. Review status: criteria provided, single submitter. Criteria: Invitae Variant Classification Sherloc (09022015). Collection method: clinical testing. Allele origin: germline.
Comment: An algorithm developed to predict the effect of missense changes on protein structure and function (PolyPhen-2) suggests that this variant is likely to be tolerated. This sequence change replaces alanine, which is neutral and non-polar, with valine, which is neutral and non-polar, at codon 428 of the FANCM protein (p.Ala428Val). This variant is not present in population databases (gnomAD no frequency). This variant has not been reported in the literature in individuals affected with FANCM-related conditions. In summary, the available evidence is currently insufficient to determine the role of this variant in disease. Therefore, it has been classified as a Variant of Uncertain Significance.